The following is an entry in ClinVar:

ClinVar aggregate classification (germline): Uncertain significance (1 of 4 stars; one submission).

Conditions:
Bardet-Biedl syndrome 16 (BBS16). Identifiers: Orphanet 110, MedGen C3889474, MONDO:0014444, OMIM 615993.
Senior-Loken syndrome 7 (SLSN7). Identifiers: Orphanet 3156, MedGen C3150877, MONDO:0013326, OMIM 613615.

Allele frequency attached by ClinVar (database versions not stated): TOPMed below 0.00001.
gnomAD v4.1: 15 of 1,613,686 alleles (0.00093%); highest among the groups gnomAD compares: Non-Finnish European, 0.0013%; no homozygotes.

Submission:

Labcorp Genetics (formerly Invitae), Labcorp
Classification: Uncertain significance for Bardet-Biedl syndrome 16; Senior-Loken syndrome 7. Last evaluated: 2022-07-09. Review status: criteria provided, single submitter. Criteria: Invitae Variant Classification Sherloc (09022015). Collection method: clinical testing. Allele origin: germline.
Comment: In summary, the available evidence is currently insufficient to determine the role of this variant in disease. Therefore, it has been classified as a Variant of Uncertain Significance. Algorithms developed to predict the effect of missense changes on protein structure and function are either unavailable or do not agree on the potential impact of this missense change (SIFT: "Deleterious"; PolyPhen-2: "Benign"; Align-GVGD: "Class C15"). This variant has not been reported in the literature in individuals affected with SDCCAG8-related conditions. This variant is not present in population databases (gnomAD no frequency). This sequence change replaces aspartic acid, which is acidic and polar, with tyrosine, which is neutral and polar, at codon 249 of the SDCCAG8 protein (p.Asp249Tyr).

NM_006642.5(SDCCAG8):c.745G>T (p.Asp249Tyr)

Gene: SDCCAG8 (SHH signaling and ciliogenesis regulator SDCCAG8; plus strand). Cytogenetic location: 1q43.
Variant type: single nucleotide variant.
Coding change: c.745G>T on transcript NM_006642.5 (MANE Select); coding-DNA position 745, G replaced by T.
Protein change: p.Asp249Tyr; replaces aspartic acid 249 with tyrosine.
Molecular consequence: missense variant. On other transcripts: 5 prime UTR variant (3).
Genome position (GRCh38, 1-based): chr1:243,307,993, G>T. VCF-style: chr1-243307993-G-T. GRCh37 (hg19) VCF-style: chr1-243471295-G-T.
Other names: c.-159G>T (NM_001350246.2, NM_001350247.2, NM_001350251.2); c.841G>T, p.Asp281Tyr (NM_001350248.2); c.451G>T, p.Asp151Tyr (NM_001350249.2); short protein forms D249Y, D151Y, D281Y.
Identifiers: ClinVar variation 2015429 (VCV002015429.3), dbSNP rs757829748, ClinGen allele CA345478959.